The following is an entry in ClinVar:

NM_001288705.3(CSF1R):c.*221C>T

Gene: CSF1R (colony stimulating factor 1 receptor; minus strand). Cytogenetic location: 5q32.
Variant type: single nucleotide variant.
Coding change: c.*221C>T on transcript NM_001288705.3 (MANE Select); 221 bases downstream of the stop codon, C replaced by T.
Molecular consequence: 3 prime UTR variant. On other transcripts: non-coding transcript variant (2).
Genome position (GRCh38, 1-based): chr5:150,053,848, G>A on the plus strand (C>T on the coding strand, the complement: CSF1R is on the minus strand). VCF-style: chr5-150053848-G-A. GRCh37 (hg19) VCF-style: chr5-149433411-G-A.
Other names: c.*221C>T (NM_001349736.2, NM_001375320.1, NM_001375321.1 and 1 more transcripts).
Identifiers: ClinVar variation 903983 (VCV000903983.4), dbSNP rs574587482, ClinGen allele CA129100427.

ClinVar aggregate classification (germline): Benign (1 of 4 stars; one submission).

Conditions:
Hereditary diffuse leukoencephalopathy with spheroids. Also called: LEUKOENCEPHALOPATHY, ADULT-ONSET, WITH AXONAL SPHEROIDS AND PIGMENTED GLIA. Identifiers: Orphanet 313808, MedGen C3711381, MONDO:0030796.

Allele frequency attached by ClinVar (database versions not stated): gnomAD exomes 0.00004; 1000 Genomes Project 30x 0.00094; gnomAD 0.00002 and 0.00005; 1000 Genomes Project 0.00060; TOPMed 0.00002.
gnomAD v4.1: 31 of 595,788 alleles (0.0052%); highest among the groups gnomAD compares: East Asian, 0.028%; no homozygotes.

Submission:

Illumina Laboratory Services, Illumina
Classification: Benign for Leukoencephalopathy, diffuse hereditary, with spheroids 1. Last evaluated: 2018-01-13. Review status: criteria provided, single submitter. Criteria: ICSL Variant Classification Criteria 13 December 2019. Collection method: clinical testing. Allele origin: germline.
Comment: This variant was observed in the ICSL laboratory as part of a predisposition screen in an ostensibly healthy population. It had not been previously curated by ICSL or reported in the Human Gene Mutation Database (HGMD: prior to June 1st, 2018), and was therefore a candidate for classification through an automated scoring system. Utilizing variant allele frequency, disease prevalence and penetrance estimates, and inheritance mode, an automated score was calculated to assess if this variant is too frequent to cause the disease. Based on the score and internal cut-off values, a variant classified as benign is not then subjected to further curation. The score for this variant resulted in a classification of benign for this disease.